The following is an entry in ClinVar:

ClinVar aggregate classification (germline): Uncertain significance (1 of 4 stars; one submission).

Conditions:
Orthostatic hypotension 1 (ORTHYP1). Also called: NORADRENALINE DEFICIENCY; NOREPINEPHRINE DEFICIENCY; Dopamine beta-hydroxylase deficiency; Orthostatic hypotension 1, due to DBH deficiency. Identifiers: Orphanet 230, MedGen C4746777, MONDO:0009123, OMIM 223360.

Allele frequency attached by ClinVar (database versions not stated): 1000 Genomes Project 30x 0.00016; 1000 Genomes Project 0.00020.
gnomAD v4.1: 30 of 1,612,940 alleles (0.0019%); highest among the groups gnomAD compares: African/African-American, 0.02%; no homozygotes.

Submission:

Labcorp Genetics (formerly Invitae), Labcorp
Classification: Uncertain significance for Orthostatic hypotension 1. Last evaluated: 2021-11-19. Review status: criteria provided, single submitter. Criteria: Invitae Variant Classification Sherloc (09022015). Collection method: clinical testing. Allele origin: germline.
Comment: This sequence change replaces threonine, which is neutral and polar, with methionine, which is neutral and non-polar, at codon 391 of the DBH protein (p.Thr391Met). This variant is present in population databases (rs138015991, gnomAD 0.02%). This variant has not been reported in the literature in individuals affected with DBH-related conditions. Algorithms developed to predict the effect of missense changes on protein structure and function are either unavailable or do not agree on the potential impact of this missense change (SIFT: "Deleterious"; PolyPhen-2: "Probably Damaging"; Align-GVGD: "Class C0"). In summary, the available evidence is currently insufficient to determine the role of this variant in disease. Therefore, it has been classified as a Variant of Uncertain Significance.

NM_000787.4(DBH):c.1172C>T (p.Thr391Met)

Gene: DBH (dopamine beta-hydroxylase; plus strand). Cytogenetic location: 9q34.2.
Variant type: single nucleotide variant.
Coding change: c.1172C>T on transcript NM_000787.4 (MANE Select); coding-DNA position 1172, C replaced by T.
Protein change: p.Thr391Met; replaces threonine 391 with methionine.
Molecular consequence: missense variant.
Genome position (GRCh38, 1-based): chr9:133,647,993, C>T. VCF-style: chr9-133647993-C-T. GRCh37 (hg19) VCF-style: chr9-136513115-C-T.
Other names: short protein forms T391M.
Identifiers: ClinVar variation 1413620 (VCV001413620.3), dbSNP rs138015991, ClinGen allele CA5313339.